The following is an entry in ClinVar:

ClinVar aggregate classification (germline): Uncertain significance. Review status: criteria provided, multiple submitters, no conflicts (2 of 4 stars). 2 submissions from 2 submitters: Uncertain significance (2). Last evaluated 2025-08-02.

Conditions:
Hereditary cancer-predisposing syndrome. Also called: Neoplastic Syndromes, Hereditary; Tumor predisposition; Hereditary Cancer Syndrome; Hereditary neoplastic syndrome. Identifiers: Orphanet 140162, MedGen C0027672, MeSH D009386, MONDO:0015356.

gnomAD v4.1: 1 of 1,593,608 alleles (0.000063%); highest among the groups gnomAD compares: Non-Finnish European, 0.000085%; no homozygotes.

Submissions (2):

Ambry Genetics
Classification: Uncertain significance for Hereditary cancer-predisposing syndrome. Last evaluated: 2025-08-02. Review status: criteria provided, single submitter. Criteria: Ambry Variant Classification Scheme 2023. Collection method: clinical testing. Allele origin: germline.
Comment: The p.L12W variant (also known as c.35T>G), located in coding exon 1 of the NTHL1 gene, results from a T to G substitution at nucleotide position 35. The leucine at codon 12 is replaced by tryptophan, an amino acid with similar properties. This amino acid position is poorly conserved in available vertebrate species. In addition, this alteration is predicted to be tolerated by in silico analysis. Since supporting evidence is limited at this time, the clinical significance of this alteration remains unclear.

Labcorp Genetics (formerly Invitae), Labcorp
Classification: Uncertain significance. Last evaluated: 2025-03-19. Review status: criteria provided, single submitter. Criteria: Invitae Variant Classification Sherloc (09022015). Collection method: clinical testing. Allele origin: germline.
Comment: This sequence change replaces leucine, which is neutral and non-polar, with tryptophan, which is neutral and slightly polar, at codon 12 of the NTHL1 protein (p.Leu12Trp). This variant is not present in population databases (gnomAD no frequency). This variant has not been reported in the literature in individuals affected with NTHL1-related conditions. ClinVar contains an entry for this variant (Variation ID: 1733085). An algorithm developed to predict the effect of missense changes on protein structure and function outputs the following: PolyPhen-2: "Benign". The tryptophan amino acid residue is found in multiple mammalian species, which suggests that this missense change does not adversely affect protein function. In summary, the available evidence is currently insufficient to determine the role of this variant in disease. Therefore, it has been classified as a Variant of Uncertain Significance.

NM_002528.7(NTHL1):c.11T>G (p.Leu4Trp)

Gene: NTHL1 (nth like DNA glycosylase 1; minus strand). Cytogenetic location: 16p13.3.
Variant type: single nucleotide variant.
Coding change: c.11T>G on transcript NM_002528.7 (MANE Select); coding-DNA position 11, T replaced by G.
Protein change: p.Leu4Trp; replaces leucine 4 with tryptophan.
Molecular consequence: missense variant. On other transcripts: 5 prime UTR variant (1).
Genome position (GRCh38, 1-based): chr16:2,047,813, A>C on the plus strand (T>G on the coding strand, the complement: NTHL1 is on the minus strand). VCF-style: chr16-2047813-A-C. GRCh37 (hg19) VCF-style: chr16-2097814-A-C.
Other names: c.11T>G, p.Leu4Trp (NM_001318193.2); c.-168T>G (NM_001318194.2); short protein forms L4W.
Identifiers: ClinVar variation 1733085 (VCV001733085.9), dbSNP rs1413587495, ClinGen allele CA394298667.